The following is an entry in ClinVar:

ClinVar aggregate classification (germline): Uncertain significance (1 of 4 stars; one submission).

Submission:

Labcorp Genetics (formerly Invitae), Labcorp
Classification: Uncertain significance. Last evaluated: 2022-06-29. Review status: criteria provided, single submitter. Criteria: Invitae Variant Classification Sherloc (09022015). Collection method: clinical testing. Allele origin: unknown.
Comment: In summary, the available evidence is currently insufficient to determine the role of this variant in disease. Therefore, it has been classified as a Variant of Uncertain Significance. This variant has not been reported in the literature in individuals affected with MEOX1-related conditions. A copy number gain of the genomic region encompassing the full coding sequence of the MEOX1 gene has been identified. The boundaries of this event are unknown as they extend beyond the assayed region for this gene and therefore may encompass additional genes. As the precise location of this event is unknown, it may be in tandem or it may be located elsewhere in the genome.

NC_000017.10:g.(?_41277268)_(41836109_?)dup

Genes: ARL4D (ARF like GTPase 4D; plus strand), BRCA1 (BRCA1 DNA repair associated; minus strand), DHX8 (DEAH-box helicase 8; plus strand), ETV4 (ETS variant transcription factor 4; minus strand), MEOX1 (mesenchyme homeobox 1; minus strand) and 4 more. Cytogenetic location: 17q21.31.
Variant type: Duplication.
Identifiers: ClinVar variation 3243158 (VCV003243158.1).